The following is an entry in ClinVar:

NM_001035.3(RYR2):c.14571T>C (p.Ile4857=)

Gene: RYR2 (ryanodine receptor 2; plus strand). Cytogenetic location: 1q43.
Variant type: single nucleotide variant.
Coding change: c.14571T>C on transcript NM_001035.3 (MANE Select); coding-DNA position 14571, T replaced by C.
Protein change: p.Ile4857=; no amino-acid change (isoleucine 4857 retained).
Molecular consequence: synonymous variant.
Genome position (GRCh38, 1-based): chr1:237,819,173, T>C. VCF-style: chr1-237819173-T-C. GRCh37 (hg19) VCF-style: chr1-237982473-T-C.
Other names: c.14571T>C (NM_001035.2).
Identifiers: ClinVar variation 1335021 (VCV001335021.36), dbSNP rs1662155861, ClinGen allele CA424051836.

ClinVar aggregate classification (germline): Likely benign. Review status: criteria provided, multiple submitters, no conflicts (2 of 4 stars). 2 submissions from 2 submitters: Likely benign (2). Last evaluated 2025-04-09.

Allele frequency attached by ClinVar (database versions not stated): gnomAD exomes below 0.00001.
gnomAD v4.1: 2 of 1,613,704 alleles (0.00012%); highest among the groups gnomAD compares: Non-Finnish European, 0.00017%; no homozygotes.

Submissions (2):

Molecular Diagnostic Laboratory for Inherited Cardiovascular Disease, Montreal Heart Institute
Classification: Likely benign. Last evaluated: 2025-04-09. Review status: criteria provided, single submitter. Criteria: ACMG Guidelines, 2015. Collection method: clinical testing. Allele origin: germline. Affected: no.
Comment: BP7

CeGaT Center for Human Genetics Tuebingen
Classification: Likely benign. Last evaluated: 2021-12-01. Review status: criteria provided, single submitter. Criteria: CeGaT Center For Human Genetics Tuebingen Variant Classification Criteria Version 2. Collection method: clinical testing. Allele origin: germline. Affected: yes. Observed: 1 variant allele.